The following is an entry in ClinVar:

NM_030912.3(TRIM8):c.1077G>T (p.Leu359=)

Gene: TRIM8 (tripartite motif containing 8; plus strand). Cytogenetic location: 10q24.32.
Variant type: single nucleotide variant.
Coding change: c.1077G>T on transcript NM_030912.3 (MANE Select); coding-DNA position 1077, G replaced by T.
Protein change: p.Leu359=; no amino-acid change (leucine 359 retained).
Molecular consequence: synonymous variant. On other transcripts: non-coding transcript variant (1).
Genome position (GRCh38, 1-based): chr10:102,656,775, G>T. VCF-style: chr10-102656775-G-T. GRCh37 (hg19) VCF-style: chr10-104416532-G-T.
Other names: c.981G>T, p.Leu327= (NM_001345950.1).
Identifiers: ClinVar variation 3346784 (VCV003346784.1).

ClinVar aggregate classification (germline): Likely benign (0 of 4 stars; one submission).

Conditions:
TRIM8-related disorder. Also called: TRIM8-related condition.

gnomAD v4.1: 7 of 1,513,006 alleles (0.00046%); highest among the groups gnomAD compares: Non-Finnish European, 0.00053%; no homozygotes.

Submission:

PreventionGenetics, part of Exact Sciences
Classification: Likely benign for TRIM8-related condition. Last evaluated: 2024-04-15. Review status: no assertion criteria provided. Collection method: clinical testing. Allele origin: germline.
Comment: This variant is classified as likely benign based on ACMG/AMP sequence variant interpretation guidelines (Richards et al. 2015 PMID: 25741868, with internal and published modifications).